The following is an entry in ClinVar:

ClinVar aggregate classification (germline): Benign. Review status: criteria provided, multiple submitters, no conflicts (2 of 4 stars). 2 submissions from 2 submitters: Benign (2). Last evaluated 2018-01-12.

Conditions:
Pulmonary hypertension, primary, 1 (PPH1). Also called: Pulmonary hypertension, familial primary, 1, with or without HHT. Identifiers: Orphanet 422, MedGen C4552070, MONDO:0024533, OMIM 178600.

Allele frequency attached by ClinVar (database versions not stated): gnomAD 0.50253 and 0.49430; 1000 Genomes Project 30x 0.54575; gnomAD exomes 0.52016; 1000 Genomes Project 0.55431; TOPMed 0.49753.
gnomAD v4.1: 76,423 of 152,250 alleles (50%); highest among the groups gnomAD compares: East Asian, 84%; 19,844 homozygotes.

Submissions (2):

Illumina Laboratory Services, Illumina
Classification: Benign for Pulmonary hypertension, primary, 1. Last evaluated: 2018-01-12. Review status: criteria provided, single submitter. Criteria: ICSL Variant Classification Criteria 13 December 2019. Collection method: clinical testing. Allele origin: germline.
Comment: This variant was observed in the ICSL laboratory as part of a predisposition screen in an ostensibly healthy population. It had not been previously curated by ICSL or reported in the Human Gene Mutation Database (HGMD: prior to June 1st, 2018), and was therefore a candidate for classification through an automated scoring system. Utilizing variant allele frequency, disease prevalence and penetrance estimates, and inheritance mode, an automated score was calculated to assess if this variant is too frequent to cause the disease. Based on the score and internal cut-off values, a variant classified as benign is not then subjected to further curation. The score for this variant resulted in a classification of benign for this disease.

Breakthrough Genomics
Classification: Benign. Review status: criteria provided, single submitter. Criteria: ACMG Guidelines, 2015. Collection method: not provided. Allele origin: germline. Inheritance: Autosomal dominant inheritance. Affected: yes.

NM_001204.7(BMPR2):c.*5787T>G

Gene: BMPR2 (bone morphogenetic protein receptor type 2; plus strand). Cytogenetic location: 2q33.2.
Variant type: single nucleotide variant.
Coding change: c.*5787T>G on transcript NM_001204.7 (MANE Select); 5787 bases downstream of the stop codon, T replaced by G.
Molecular consequence: 3 prime UTR variant.
Genome position (GRCh38, 1-based): chr2:202,565,733, T>G. VCF-style: chr2-202565733-T-G. GRCh37 (hg19) VCF-style: chr2-203430456-T-G.
Other names: c.*5787T>G (LRG_712t1).
Identifiers: ClinVar variation 333715 (VCV000333715.6), dbSNP rs1048829, ClinGen allele CA10613660.